The following is an entry in ClinVar:

ClinVar aggregate classification (germline): Uncertain significance (1 of 4 stars; one submission).

Conditions:
Congenital disorder of glycosylation type 1E (CDG1E). Also called: CONGENITAL DISORDER OF GLYCOSYLATION, TYPE Ie; CDG Ie. Identifiers: Orphanet 79322, MedGen C1837396, MONDO:0012123, OMIM 608799.

Allele frequency attached by ClinVar (database versions not stated): gnomAD exomes 0.00001 and 0.00002; ExAC 0.00002; gnomAD 0.00004; TOPMed 0.00004.
gnomAD v4.1: 27 of 1,613,574 alleles (0.0017%); highest among the groups gnomAD compares: African/African-American, 0.025%; no homozygotes.

Submission:

Labcorp Genetics (formerly Invitae), Labcorp
Classification: Uncertain significance for Congenital disorder of glycosylation type 1E. Last evaluated: 2021-08-26. Review status: criteria provided, single submitter. Criteria: Invitae Variant Classification Sherloc (09022015). Collection method: clinical testing. Allele origin: germline.
Comment: This sequence change replaces glutamic acid with glutamine at codon 16 of the DPM1 protein (p.Glu16Gln). The glutamic acid residue is weakly conserved and there is a small physicochemical difference between glutamic acid and glutamine. This variant is present in population databases (rs754001081, ExAC 0.02%). This variant has not been reported in the literature in individuals affected with DPM1-related conditions. Algorithms developed to predict the effect of missense changes on protein structure and function output the following: SIFT: "Tolerated"; PolyPhen-2: "Not Available"; Align-GVGD: "Class C0". The glutamine amino acid residue is found in multiple mammalian species, which suggests that this missense change does not adversely affect protein function. In summary, the available evidence is currently insufficient to determine the role of this variant in disease. Therefore, it has been classified as a Variant of Uncertain Significance.

NM_003859.3(DPM1):c.46G>C (p.Glu16Gln)

Genes: DPM1 (dolichyl-phosphate mannosyltransferase subunit 1, catalytic; minus strand), LOC130066166 (ATAC-STARR-seq lymphoblastoid active region 18108; plus strand). Cytogenetic location: 20q13.13.
Variant type: single nucleotide variant.
Coding change: c.46G>C on transcript NM_003859.3 (MANE Select); coding-DNA position 46, G replaced by C.
Protein change: p.Glu16Gln; replaces glutamic acid 16 with glutamine.
Molecular consequence: missense variant. On other transcripts: non-coding transcript variant (1).
Genome position (GRCh38, 1-based): chr20:50,958,478, C>G on the plus strand (G>C on the coding strand, the complement: DPM1 is on the minus strand). VCF-style: chr20-50958478-C-G. GRCh37 (hg19) VCF-style: chr20-49575015-C-G.
Other names: c.46G>C, p.Glu16Gln (NM_001317034.1, NM_001317035.1, NM_001317036.1); short protein forms E16Q.
Identifiers: ClinVar variation 1349441 (VCV001349441.5), dbSNP rs754001081, ClinGen allele CA9909259.